The following is an entry in ClinVar:

ClinVar aggregate classification (germline): Pathogenic (1 of 4 stars; one submission).

Conditions:
Citrin deficiency. Identifiers: Orphanet 247582, MedGen C1997910, MONDO:0016602.

Submission:

Labcorp Genetics (formerly Invitae), Labcorp
Classification: Pathogenic for Citrin deficiency. Last evaluated: 2023-12-30. Review status: criteria provided, single submitter. Criteria: Invitae Variant Classification Sherloc (09022015). Collection method: clinical testing. Allele origin: germline.
Comment: This sequence change affects an acceptor splice site in intron 14 of the SLC25A13 gene. It is expected to disrupt RNA splicing. Variants that disrupt the donor or acceptor splice site typically lead to a loss of protein function (PMID: 16199547), and loss-of-function variants in SLC25A13 are known to be pathogenic (PMID: 10369257, 14680984, 27405544). This variant is not present in population databases (gnomAD no frequency). Disruption of this splice site has been observed in individual(s) with citrin deficiency (PMID: 33497767). Studies have shown that disruption of this splice site alters mRNA splicing and is expected to lead to the loss of protein expression (PMID: 33497767). For these reasons, this variant has been classified as Pathogenic.

Literature cited by the submitters: PubMed 16199547; PubMed 10369257; PubMed 14680984; PubMed 27405544; PubMed 33497767.

NM_014251.3(SLC25A13):c.1453-2A>G

Gene: SLC25A13 (solute carrier family 25 member 13; minus strand). Cytogenetic location: 7q21.3.
Variant type: single nucleotide variant.
Coding change: c.1453-2A>G on transcript NM_014251.3 (MANE Select); the canonical splice acceptor site of the intron before coding-DNA position 1453, A replaced by G.
Molecular consequence: splice acceptor variant.
Genome position (GRCh38, 1-based): chr7:96,131,883, T>C on the plus strand (A>G on the coding strand, the complement: SLC25A13 is on the minus strand). VCF-style: chr7-96131883-T-C. GRCh37 (hg19) VCF-style: chr7-95761195-T-C.
Other names: c.1456-2A>G (NM_001160210.2).
Identifiers: ClinVar variation 2795604 (VCV002795604.3), dbSNP rs2116426311, ClinGen allele CA368260034.